The following is an entry in ClinVar:

NM_001129.5(AEBP1):c.798C>T (p.Pro266=)

Gene: AEBP1 (AE binding protein 1; plus strand). Cytogenetic location: 7p13.
Variant type: single nucleotide variant.
Coding change: c.798C>T on transcript NM_001129.5 (MANE Select); coding-DNA position 798, C replaced by T.
Protein change: p.Pro266=; no amino-acid change (proline 266 retained).
Molecular consequence: synonymous variant.
Genome position (GRCh38, 1-based): chr7:44,107,867, C>T. VCF-style: chr7-44107867-C-T. GRCh37 (hg19) VCF-style: chr7-44147466-C-T.
Other names: p.Pro266=.
Identifiers: ClinVar variation 1555643 (VCV001555643.10), dbSNP rs368747482, ClinGen allele CA4237629.

ClinVar aggregate classification (germline): Likely benign. Review status: criteria provided, multiple submitters, no conflicts (2 of 4 stars). 3 submissions from 3 submitters: Likely benign (3). Last evaluated 2025-12-16.

Allele frequency attached by ClinVar (database versions not stated): ExAC 0.00005; ESP Exome Variant Server 0.00008.
gnomAD v4.1: 137 of 1,607,672 alleles (0.0085%); highest among the groups gnomAD compares: Middle Eastern, 0.033%; no homozygotes.

Submissions (3):

Labcorp Genetics (formerly Invitae), Labcorp
Classification: Likely benign. Last evaluated: 2025-12-16. Review status: criteria provided, single submitter. Criteria: Invitae Variant Classification Sherloc (09022015). Collection method: clinical testing. Allele origin: germline.

Women's Health and Genetics/Laboratory Corporation of America, LabCorp
Classification: Likely benign. Last evaluated: 2025-09-02. Review status: criteria provided, single submitter. Criteria: LabCorp Variant Classification Summary - May 2015. Collection method: clinical testing. Allele origin: germline.

Mayo Clinic Laboratories, Mayo Clinic
Classification: Likely benign. Last evaluated: 2025-04-28. Review status: criteria provided, single submitter. Criteria: ACMG Guidelines, 2015. Collection method: clinical testing. Allele origin: germline. Observed: 1 variant allele.
Comment: BP4, BP7